The following is an entry in ClinVar:

ClinVar aggregate classification (germline): Uncertain significance (1 of 4 stars; one submission).

gnomAD v4.1: 1 of 1,561,696 alleles (0.000064%); highest among the groups gnomAD compares: East Asian, 0.0024%; no homozygotes.

Submission:

Labcorp Genetics (formerly Invitae), Labcorp
Classification: Uncertain significance. Last evaluated: 2025-10-04. Review status: criteria provided, single submitter. Criteria: Invitae Variant Classification Sherloc (09022015). Collection method: clinical testing. Allele origin: germline.
Comment: This sequence change replaces serine, which is neutral and polar, with leucine, which is neutral and non-polar, at codon 298 of the CLCN7 protein (p.Ser298Leu). This variant is not present in population databases (gnomAD no frequency). This variant has not been reported in the literature in individuals affected with CLCN7-related conditions. An algorithm developed to predict the effect of missense changes on protein structure and function (PolyPhen-2) suggests that this variant is likely to be disruptive. In summary, the available evidence is currently insufficient to determine the role of this variant in disease. Therefore, it has been classified as a Variant of Uncertain Significance.

NM_001287.6(CLCN7):c.893C>T (p.Ser298Leu)

Gene: CLCN7 (chloride voltage-gated channel 7; minus strand). Cytogenetic location: 16p13.3.
Variant type: single nucleotide variant.
Coding change: c.893C>T on transcript NM_001287.6 (MANE Select); coding-DNA position 893, C replaced by T.
Protein change: p.Ser298Leu; replaces serine 298 with leucine.
Molecular consequence: missense variant.
Genome position (GRCh38, 1-based): chr16:1,456,136, G>A on the plus strand (C>T on the coding strand, the complement: CLCN7 is on the minus strand). VCF-style: chr16-1456136-G-A. GRCh37 (hg19) VCF-style: chr16-1506137-G-A.
Other names: c.821C>T, p.Ser274Leu (NM_001114331.3); short protein forms S274L, S298L.
Identifiers: ClinVar variation 4723098 (VCV004723098.1).